The following is an entry in ClinVar:

ClinVar aggregate classification (germline): Uncertain significance (1 of 4 stars; one submission).

Conditions:
Neurofibromatosis, type 2 (SWNV). Also called: SCHWANNOMATOSIS, VESTIBULAR; NF2-Related Schwannomatosis; BILATERAL ACOUSTIC NEUROFIBROMATOSIS. Identifiers: Orphanet 637, MedGen C0027832, MONDO:0007039, OMIM 101000. Disease mechanism: loss of function.

Submission:

Labcorp Genetics (formerly Invitae), Labcorp
Classification: Uncertain significance for Neurofibromatosis, type 2. Last evaluated: 2022-08-20. Review status: criteria provided, single submitter. Criteria: Invitae Variant Classification Sherloc (09022015). Collection method: clinical testing. Allele origin: germline.
Comment: This variant has not been reported in the literature in individuals affected with NF2-related conditions. In summary, the available evidence is currently insufficient to determine the role of this variant in disease. Therefore, it has been classified as a Variant of Uncertain Significance. Algorithms developed to predict the effect of missense changes on protein structure and function are either unavailable or do not agree on the potential impact of this missense change (SIFT: "Tolerated"; PolyPhen-2: "Probably Damaging"; Align-GVGD: "Class C0"). This variant is not present in population databases (gnomAD no frequency). This sequence change replaces glutamic acid, which is acidic and polar, with alanine, which is neutral and non-polar, at codon 204 of the NF2 protein (p.Glu204Ala).

NM_000268.4(NF2):c.611A>C (p.Glu204Ala)

Gene: NF2 (NF2, moesin-ezrin-radixin like (MERLIN) tumor suppressor; plus strand). Cytogenetic location: 22q12.2.
Variant type: single nucleotide variant.
Coding change: c.611A>C on transcript NM_000268.4 (MANE Select); coding-DNA position 611, A replaced by C.
Protein change: p.Glu204Ala; replaces glutamic acid 204 with alanine.
Molecular consequence: missense variant. On other transcripts: non-coding transcript variant (1), intron variant (1).
Genome position (GRCh38, 1-based): chr22:29,658,200, A>C. VCF-style: chr22-29658200-A-C. GRCh37 (hg19) VCF-style: chr22-30054189-A-C.
Other names: c.488A>C, p.Glu163Ala (NM_001407058.1, NM_001407062.1, NM_181829.3 and 1 more transcripts); c.611A>C, p.Glu204Ala (NM_001407059.1, NM_001407060.1, NM_001407066.1 and 4 more transcripts); c.362A>C, p.Glu121Ala (NM_001407063.1, NM_001407064.1, NM_181830.3 and 1 more transcripts); c.77A>C, p.Glu26Ala (NM_001407065.1); c.380A>C, p.Glu127Ala (NM_001407067.1); c.485A>C, p.Glu162Ala (NM_181828.3, NM_001407055.1); c.447+15915A>C (NM_181833.3); c.497A>C, p.Glu166Ala (NM_001407053.1, NM_001407056.1); short protein forms E121A, E127A, E162A, E163A, E166A, E204A, E26A.
Identifiers: ClinVar variation 1717217 (VCV001717217.6), dbSNP rs2518574697, ClinGen allele CA411142988.
Genomic context (GRCh38, chr22:29,658,200, plus strand): 5'-CACCCATCTCACTTAGCTCCAATGACAGTGTCTTCCGTTCTCCCCACAGGGATGAAGCTG[A>C]AATGGAATATCTGAAGATAGCTCAGGACCTGGAGATGTACGGTGTGAACTACTTTGCAAT-3'
Protein context (NP_000259.1, residues 194-214): EHRGRARDEA[Glu204Ala]MEYLKIAQDL